The following is an entry in ClinVar:

ClinVar aggregate classification (germline): Likely pathogenic (1 of 4 stars; one submission).

Conditions:
Neurodevelopmental disorder with visual defects and brain anomalies. Identifiers: MedGen C5231404, MONDO:0032807, OMIM 618547.

Submission:

Wendy Chung Laboratory, Boston Children's Hospital
Classification: Likely pathogenic for Neurodevelopmental disorder with visual defects and brain anomalies. Last evaluated: 2024-12-05. Review status: criteria provided, single submitter. Criteria: ACMG Guidelines, 2015. Collection method: clinical testing. Allele origin: unknown. Inheritance: Autosomal dominant inheritance. Affected: yes. Observed: 3 heterozygotes.
Comment: The c.1370C>G variant has not previously been reported in the literature; there is one ClinVar submission (ClinVar ID = 2506469) with affected and de novo statuses provided. The c.1370C>G variant is absent from population databases (gnomAD v4.1.0, TOPMed Freeze 10, All of Us). The c.1370C>G variant is located in exon 10 of this 18-exon gene and predicted to replace an evolutionarily conserved threonine amino acid with lysine at position 457 [p.(Thr457Lys)] within the alpha helix domain of the encoded protein. Another missense variant (c.1370C>T p.(Thr457Met)) is an established pathogenic variant in individuals with HK1-related NEDVIBA. At least one in silico prediction tool is in support of damaging effect for the p.(Thr457Lys) variant; however, there are no functional studies to confirm or refute these predictions. Based on available evidence this apparently de novo heterozygous c.1370C>G:p.(Thr457Lys) variant identified in HK1 in these individuals is classified as Likely Pathogenic (PS2_Supp + PS4_Mod + PM5 + PM2_Supp + PP3).

NM_000188.3(HK1):c.1370C>G (p.Thr457Arg)

Gene: HK1 (hexokinase 1; plus strand). Cytogenetic location: 10q22.1.
Variant type: single nucleotide variant.
Coding change: c.1370C>G on transcript NM_000188.3 (MANE Select); coding-DNA position 1370, C replaced by G.
Protein change: p.Thr457Arg; replaces threonine 457 with arginine.
Molecular consequence: missense variant.
Genome position (GRCh38, 1-based): chr10:69,382,591, C>G. VCF-style: chr10-69382591-C-G. GRCh37 (hg19) VCF-style: chr10-71142347-C-G.
Other names: c.1382C>G, p.Thr461Arg (NM_001322364.2, NM_001358263.1, NM_033497.3 and 1 more transcripts); c.1475C>G, p.Thr492Arg (NM_001322365.2); c.1286C>G, p.Thr429Arg (NM_001322366.1); c.1274C>G, p.Thr425Arg (NM_001322367.1); c.1367C>G, p.Thr456Arg (NM_033496.3); c.1334C>G, p.Thr445Arg (NM_033500.2); short protein forms T429R, T461R, T492R, T445R, T457R, T456R, T425R.
Identifiers: ClinVar variation 3544385 (VCV003544385.1).